The following is an entry in ClinVar:

NM_006206.6(PDGFRA):c.3233T>C (p.Ile1078Thr)

Gene: PDGFRA (platelet derived growth factor receptor alpha; plus strand). Cytogenetic location: 4q12.
Variant type: single nucleotide variant.
Coding change: c.3233T>C on transcript NM_006206.6 (MANE Select); coding-DNA position 3233, T replaced by C.
Protein change: p.Ile1078Thr; replaces isoleucine 1078 with threonine.
Molecular consequence: missense variant.
Genome position (GRCh38, 1-based): chr4:54,295,235, T>C. VCF-style: chr4-54295235-T-C. GRCh37 (hg19) VCF-style: chr4-55161402-T-C.
Other names: c.3308T>C, p.Ile1103Thr (NM_001347828.2); c.3233T>C, p.Ile1078Thr (NM_001347829.2); c.3272T>C, p.Ile1091Thr (NM_001347830.2); short protein forms I1078T, I1091T, I1103T.
Identifiers: ClinVar variation 4133970 (VCV004133970.1).
Genomic context (GRCh38, chr4:54,295,235, plus strand): 5'-CCTTCATCAAGAGAGAGGACGAGACCATTGAAGACATCGACATGATGGATGACATCGGCA[T>C]AGACTCTTCAGACCTGGTGGAAGACAGCTTCCTGTAACTGGCGGATTCGAGGGGTTCCTT-3'
Protein context (NP_006197.1, residues 1068-1088): EDIDMMDDIG[Ile1078Thr]DSSDLVEDSF

ClinVar aggregate classification (germline): Uncertain significance (1 of 4 stars; one submission).

Conditions:
Hereditary cancer-predisposing syndrome. Also called: Hereditary neoplastic syndrome; Neoplastic Syndromes, Hereditary; Tumor predisposition; Hereditary Cancer Syndrome. Identifiers: Orphanet 140162, MedGen C0027672, MeSH D009386, MONDO:0015356.

Submission:

Ambry Genetics
Classification: Uncertain significance for Hereditary cancer-predisposing syndrome. Last evaluated: 2025-07-03. Review status: criteria provided, single submitter. Criteria: Ambry Variant Classification Scheme 2023. Collection method: clinical testing. Allele origin: germline.
Comment: The p.I1078T variant (also known as c.3233T>C), located in coding exon 22 of the PDGFRA gene, results from a T to C substitution at nucleotide position 3233. The isoleucine at codon 1078 is replaced by threonine, an amino acid with similar properties. This amino acid position is conserved. In addition, this alteration is predicted to be tolerated by in silico analysis. Based on the available evidence, the clinical significance of this variant remains unclear.